The following is an entry in ClinVar:

NM_145290.4(ADGRA3):c.185A>G (p.Lys62Arg)

Gene: ADGRA3 (adhesion G protein-coupled receptor A3; minus strand). Cytogenetic location: 4p15.2.
Variant type: single nucleotide variant.
Coding change: c.185A>G on transcript NM_145290.4 (MANE Select); coding-DNA position 185, A replaced by G.
Protein change: p.Lys62Arg; replaces lysine 62 with arginine.
Molecular consequence: missense variant.
Genome position (GRCh38, 1-based): chr4:22,515,600, T>C on the plus strand (A>G on the coding strand, the complement: ADGRA3 is on the minus strand). VCF-style: chr4-22515600-T-C. GRCh37 (hg19) VCF-style: chr4-22517223-T-C.
Other names: short protein forms K62R.
Identifiers: ClinVar variation 2998858 (VCV002998858.3), dbSNP rs746870825, ClinGen allele CA2874384.

ClinVar aggregate classification (germline): Uncertain significance (1 of 4 stars; one submission).

Allele frequency attached by ClinVar (database versions not stated): ExAC 0.00001; gnomAD 0.00001; gnomAD exomes 0.00001; TOPMed 0.00002.
gnomAD v4.1: 4 of 1,563,954 alleles (0.00026%); highest among the groups gnomAD compares: African/African-American, 0.0056%; no homozygotes.

Submission:

Labcorp Genetics (formerly Invitae), Labcorp
Classification: Uncertain significance. Last evaluated: 2022-12-19. Review status: criteria provided, single submitter. Criteria: Invitae Variant Classification Sherloc (09022015). Collection method: clinical testing. Allele origin: germline.
Comment: In summary, the available evidence is currently insufficient to determine the role of this variant in disease. Therefore, it has been classified as a Variant of Uncertain Significance. Algorithms developed to predict the effect of missense changes on protein structure and function are either unavailable or do not agree on the potential impact of this missense change (SIFT: "Tolerated"; PolyPhen-2: "Probably Damaging"; Align-GVGD: "Class C0"). This variant has not been reported in the literature in individuals affected with ADGRA3-related conditions. The frequency data for this variant in the population databases is considered unreliable, as metrics indicate poor data quality at this position in the gnomAD database. This sequence change replaces lysine, which is basic and polar, with arginine, which is basic and polar, at codon 62 of the ADGRA3 protein (p.Lys62Arg).